The following is an entry in ClinVar:

ClinVar aggregate classification (germline): Uncertain significance (1 of 4 stars; one submission).

Submission:

Ambry Genetics
Classification: Uncertain significance. Last evaluated: 2023-12-21. Review status: criteria provided, single submitter. Criteria: Ambry Variant Classification Scheme 2023. Collection method: clinical testing. Allele origin: germline.
Comment: The p.D343V variant (also known as c.1028A>T), located in coding exon 5 of the MNDA gene, results from an A to T substitution at nucleotide position 1028. The aspartic acid at codon 343 is replaced by valine, an amino acid with highly dissimilar properties. This amino acid position is conserved. In addition, the in silico prediction for this alteration is inconclusive. Since supporting evidence is limited at this time, the clinical significance of this alteration remains unclear.

NM_002432.3(MNDA):c.1028A>T (p.Asp343Val)

Gene: MNDA (myeloid cell nuclear differentiation antigen; plus strand). Cytogenetic location: 1q23.1.
Variant type: single nucleotide variant.
Coding change: c.1028A>T on transcript NM_002432.3 (MANE Select); coding-DNA position 1028, A replaced by T.
Protein change: p.Asp343Val; replaces aspartic acid 343 with valine.
Molecular consequence: missense variant.
Genome position (GRCh38, 1-based): chr1:158,847,768, A>T. VCF-style: chr1-158847768-A-T. GRCh37 (hg19) VCF-style: chr1-158817558-A-T.
Other names: short protein forms D343V.
Identifiers: ClinVar variation 3222163 (VCV003222163.1), dbSNP rs2526092280, ClinGen allele CA343043840.